The following is an entry in ClinVar:

NM_000138.5(FBN1):c.477G>A (p.Arg159=)

Gene: FBN1 (fibrillin 1; minus strand). Cytogenetic location: 15q21.1.
Variant type: single nucleotide variant.
Coding change: c.477G>A on transcript NM_000138.5 (MANE Select); coding-DNA position 477, G replaced by A.
Protein change: p.Arg159=; no amino-acid change (arginine 159 retained).
Molecular consequence: synonymous variant.
Genome position (GRCh38, 1-based): chr15:48,596,344, C>T on the plus strand (G>A on the coding strand, the complement: FBN1 is on the minus strand). VCF-style: chr15-48596344-C-T. GRCh37 (hg19) VCF-style: chr15-48888541-C-T.
Identifiers: ClinVar variation 926153 (VCV000926153.6), dbSNP rs1456579664, ClinGen allele CA490095978.
Genomic context (GRCh38, chr15:48,596,344, plus strand): 5'-TCTTTCACACTGGGGTCCAGTAAATCCGTAAGTGCATGCACATCGATTTGGGGCCACACA[C>T]CTTCCTCCATTGAGACAGCCACTTTCACAAACAGCTGTAAAATAAGGAGAGAGCTGAGAC-3'
Protein context (NP_000129.3, residues 149-169): VCESGCLNGG[Arg159=]CVAPNRCACT

ClinVar aggregate classification (germline): Benign/Likely benign. Review status: criteria provided, multiple submitters, no conflicts (2 of 4 stars). 3 submissions from 3 submitters: Benign (1); Likely benign (2). Last evaluated 2025-03-09.

Conditions:
Familial thoracic aortic aneurysm and aortic dissection (TAAD). Also called: Thoracic aortic aneurysms and dissections. Identifiers: Orphanet 91387, MedGen C4707243, MONDO:0019625.
Marfan syndrome (MFS). Also called: Marfan syndrome, classic; Marfan syndrome type 1; Marfan's syndrome; FBN1-Related Marfan Syndrome; MARFAN SYNDROME, TYPE I. Identifiers: Orphanet 284963, Orphanet 558, MedGen C0024796, MONDO:0007947, OMIM 154700.

Allele frequency attached by ClinVar (database versions not stated): gnomAD exomes below 0.00001.
gnomAD v4.1: 6 of 1,614,080 alleles (0.00037%); highest among the groups gnomAD compares: African/African-American, 0.004%; no homozygotes.

Submissions (3):

Labcorp Genetics (formerly Invitae), Labcorp
Classification: Benign for Marfan syndrome; Familial thoracic aortic aneurysm and aortic dissection. Last evaluated: 2025-03-09. Review status: criteria provided, single submitter. Criteria: Invitae Variant Classification Sherloc (09022015). Collection method: clinical testing. Allele origin: germline.

All of Us Research Program, National Institutes of Health
Classification: Likely benign for Marfan syndrome. Last evaluated: 2024-03-14. Review status: criteria provided, single submitter. Criteria: ACMG Guidelines, 2015. Collection method: clinical testing. Allele origin: germline. Inheritance: Autosomal dominant inheritance. Observed: 1 variant allele, 1 heterozygote.
Comment: This study involves interpretation of variants in research participants for the purpose of population health screening. Participant phenotype was not available at the time of variant classification. Additional details can be found in publication PMID: 35346344, PMCID: PMC8962531

Color Diagnostics, LLC DBA Color Health
Classification: Likely benign for Familial thoracic aortic aneurysm and aortic dissection. Last evaluated: 2020-02-03. Review status: criteria provided, single submitter. Criteria: ACMG Guidelines, 2015. Collection method: clinical testing. Allele origin: germline.